The following is an entry in ClinVar:

NM_022726.4(ELOVL4):c.800T>C (p.Ile267Thr)

Gene: ELOVL4 (ELOVL fatty acid elongase 4; minus strand). Cytogenetic location: 6q14.1.
Variant type: single nucleotide variant.
Coding change: c.800T>C on transcript NM_022726.4 (MANE Select); coding-DNA position 800, T replaced by C.
Protein change: p.Ile267Thr; replaces isoleucine 267 with threonine.
Molecular consequence: missense variant.
Genome position (GRCh38, 1-based): chr6:79,916,753, A>G on the plus strand (T>C on the coding strand, the complement: ELOVL4 is on the minus strand). VCF-style: chr6-79916753-A-G. GRCh37 (hg19) VCF-style: chr6-80626470-A-G.
Other names: p.I267T:ATT>ACT; short protein forms I267T.
Identifiers: ClinVar variation 137204 (VCV000137204.48), dbSNP rs148594713, ClinGen allele CA203329.

ClinVar aggregate classification (germline): Benign/Likely benign. Review status: criteria provided, multiple submitters, no conflicts (2 of 4 stars). 8 submissions from 8 submitters: Benign (6); Likely benign (1). 1 of the submissions does not count toward it. Last evaluated 2026-09-01.

Conditions:
Retinal dystrophy. Also called: Inherited retinal dystrophy. Identifiers: Orphanet 71862, MedGen C0854723, MeSH D058499, MONDO:0019118, HP:0000556.
Stargardt disease 3. Also called: MACULAR DYSTROPHY WITH FLECKS, TYPE 3; STARGARDT-LIKE MACULAR DYSTROPHY, AUTOSOMAL DOMINANT. Identifiers: Orphanet 827, MedGen C1838644, MONDO:0010819, OMIM 600110.

Allele frequency attached by ClinVar (database versions not stated): ESP Exome Variant Server 0.00546; TOPMed 0.00550; 1000 Genomes Project 30x 0.00562; 1000 Genomes Project 0.00579; gnomAD 0.00636 and 0.00662; ExAC 0.00707; gnomAD exomes 0.00724 and 0.00811.
gnomAD v4.1: 12,920 of 1,614,122 alleles (0.8%); highest among the groups gnomAD compares: South Asian, 1.4%; 90 homozygotes.

Submissions (8):

CeGaT Center for Human Genetics Tuebingen
Classification: Benign. Last evaluated: 2026-09-01. Review status: criteria provided, single submitter. Criteria: CeGaT Center For Human Genetics Tuebingen Variant Classification Criteria Version 2. Collection method: clinical testing. Allele origin: germline. Affected: yes. Observed: 39 variant alleles.
Comment: ELOVL4: BP4, BS1, BS2

Labcorp Genetics (formerly Invitae), Labcorp
Classification: Benign. Last evaluated: 2026-02-04. Review status: criteria provided, single submitter. Criteria: Invitae Variant Classification Sherloc (09022015). Collection method: clinical testing. Allele origin: germline.

Genomic Medicine Center of Excellence, King Faisal Specialist Hospital and Research Centre
Classification: Likely benign. Last evaluated: 2025-08-18. Review status: criteria provided, single submitter. Criteria: ACMG Guidelines, 2015. Collection method: clinical testing. Allele origin: germline.

Mayo Clinic Laboratories, Mayo Clinic
Classification: Benign. Last evaluated: 2023-05-30. Review status: criteria provided, single submitter. Criteria: ACMG Guidelines, 2015. Collection method: clinical testing. Allele origin: germline. Observed: 4 variant alleles.
Comment: BS1, BS2, BP4

Illumina Laboratory Services, Illumina
Classification: Benign for Stargardt disease 3. Last evaluated: 2018-01-13. Review status: criteria provided, single submitter. Criteria: ICSL Variant Classification Criteria 13 December 2019. Collection method: clinical testing. Allele origin: germline.
Comment: This variant was observed in the ICSL laboratory as part of a predisposition screen in an ostensibly healthy population. It had not been previously curated by ICSL or reported in the Human Gene Mutation Database (HGMD: prior to June 1st, 2018), and was therefore a candidate for classification through an automated scoring system. Utilizing variant allele frequency, disease prevalence and penetrance estimates, and inheritance mode, an automated score was calculated to assess if this variant is too frequent to cause the disease. Based on the score and internal cut-off values, a variant classified as benign is not then subjected to further curation. The score for this variant resulted in a classification of benign for this disease.

Eurofins Ntd Llc (ga)
Classification: Benign. Last evaluated: 2016-01-07. Review status: criteria provided, single submitter. Criteria: EGL Classification Definitions 2015. Collection method: clinical testing. Allele origin: germline. Observed: 5 variant alleles, 5 heterozygotes.

GeneDx
Classification: Benign. Last evaluated: 2013-02-22. Review status: criteria provided, single submitter. Criteria: GeneDx Variant Classification (06012015). Collection method: clinical testing. Allele origin: germline. Affected: yes.
Comment: This variant is considered likely benign or benign based on one or more of the following criteria: it is a conservative change, it occurs at a poorly conserved position in the protein, it is predicted to be benign by multiple in silico algorithms, and/or has population frequency not consistent with disease.

Institute of Human Genetics, Univ. Regensburg, Univ. Regensburg
Classification: Uncertain significance for Retinal dystrophy. Last evaluated: 2019-01-01. Review status: no assertion criteria provided. Criteria: ACMG Guidelines, 2015. Collection method: clinical testing. Allele origin: germline. Affected: yes. Not counted in ClinVar's aggregate classification.